The following is an entry in ClinVar:

ClinVar aggregate classification (germline): Conflicting classifications of pathogenicity. Review status: criteria provided, conflicting classifications (1 of 4 stars). 2 submissions from 2 submitters: Pathogenic (1); Uncertain significance (1). Last evaluated 2023-05-05.

Conditions:
Global developmental delay with speech and behavioral abnormalities. Identifiers: MedGen C5543226, MONDO:0030995, OMIM 619243.

Submissions (2):

Women's Health and Genetics/Laboratory Corporation of America, LabCorp
Classification: Pathogenic for Global developmental delay with speech and behavioral abnormalities. Last evaluated: 2023-05-05. Review status: criteria provided, single submitter. Criteria: LabCorp Variant Classification Summary - May 2015. Collection method: clinical testing. Allele origin: germline.
Comment: Variant summary: TNRC6B c.3064_3068dupAACAC (p.Gly1025ProfsX24) results in a premature termination codon, predicted to cause a truncation of the encoded protein or absence of the protein due to nonsense mediated decay, which are commonly known mechanisms for disease. The variant was absent in 224254 control chromosomes (gnomAD). To our knowledge, no occurrence of c.3064_3068dupAACAC in individuals affected with Global Developmental Delay With Speech And Behavioral Abnormalities and no experimental evidence demonstrating its impact on protein function have been reported. One clinical diagnostic laboratory has submitted a clinical-significance assessment for this variant to ClinVar after 2014 and classified the variant as uncertain significance. Based on the evidence outlined above, the variant was classified pathogenic.

GeneDx
Classification: Uncertain significance. Last evaluated: 2019-11-09. Review status: criteria provided, single submitter. Criteria: GeneDx Variant Classification Process June 2021. Collection method: clinical testing. Allele origin: germline. Affected: yes.
Comment: Frameshift variant predicted to result in protein truncation or nonsense mediated decay in a gene for which loss-of-function is not a known mechanism of disease; Has not been previously published as pathogenic or benign to our knowledge; Not observed in large population cohorts (Lek et al., 2016); Variants in candidate genes are classified as variants of uncertain significance in accordance with ACMG guidelines (Richards et al., 2015)

NM_001162501.2(TNRC6B):c.3064_3068dup (p.Gly1025fs)

Gene: TNRC6B (trinucleotide repeat containing adaptor 6B; plus strand). Cytogenetic location: 22q13.1.
Variant type: Duplication.
Coding change: c.3064_3068dup on transcript NM_001162501.2 (MANE Select); coding-DNA positions 3064 to 3068, 5 bases duplicated (AACAC; older notation c.3064_3068dupAACAC).
Protein change: p.Gly1025fs; shifts the reading frame from glycine 1025.
Molecular consequence: frameshift variant.
Genome position (GRCh38, 1-based): chr22:40,273,523-40,273,527, AACAC duplicated. VCF-style (leftmost placement, unchanged base first): chr22-40273522-G-GAACAC. GRCh37 (hg19) VCF-style: chr22-40669526-G-GAACAC.
Other names: c.823_827dup, p.Gly278fs (NM_001024843.2); c.2905_2909dup, p.Gly972fs (NM_015088.3); c.3064_3068dupAACAC (NM_001162501.1); short protein forms G1025fs, G278fs, G972fs.
Identifiers: ClinVar variation 1320508 (VCV001320508.3), dbSNP rs2146512032, ClinGen allele CA2573055017.